The following is an entry in ClinVar:

ClinVar aggregate classification (germline): Likely benign. Review status: criteria provided, multiple submitters, no conflicts (2 of 4 stars). 3 submissions from 3 submitters: Likely benign (2). 1 of the submissions does not count toward it. Last evaluated 2025-12-16.

Conditions:
Familial hemophagocytic lymphohistiocytosis 2 (FHL2). Also called: PRF1-Related Familial Hemophagocytic Lymphohistiocytosis (PRF1-fHLH). Identifiers: Orphanet 540, MedGen C1863727, MONDO:0011337, OMIM 603553.
PRF1-related disorder. Also called: PRF1-related condition.
Inborn genetic diseases. Identifiers: MedGen C0950123, MeSH D030342.

Allele frequency attached by ClinVar (database versions not stated): 1000 Genomes Project 0.00020; 1000 Genomes Project 30x 0.00031.

Submissions (3):

Labcorp Genetics (formerly Invitae), Labcorp
Classification: Likely benign for Familial hemophagocytic lymphohistiocytosis 2. Last evaluated: 2025-12-16. Review status: criteria provided, single submitter. Criteria: Invitae Variant Classification Sherloc (09022015). Collection method: clinical testing. Allele origin: germline.

Ambry Genetics
Classification: Likely benign for Inborn genetic diseases. Last evaluated: 2025-11-02. Review status: criteria provided, single submitter. Criteria: Ambry Variant Classification Scheme 2023. Collection method: clinical testing. Allele origin: germline.

PreventionGenetics, part of Exact Sciences
Classification: Likely benign for PRF1-related condition. Last evaluated: 2023-07-21. Review status: no assertion criteria provided. Collection method: clinical testing. Allele origin: germline. Not counted in ClinVar's aggregate classification.
Comment: This variant is classified as likely benign based on ACMG/AMP sequence variant interpretation guidelines (Richards et al. 2015 PMID: 25741868, with internal and published modifications).

NM_001083116.3(PRF1):c.948C>T (p.Phe316=)

Gene: PRF1 (perforin 1; minus strand). Cytogenetic location: 10q22.1.
Variant type: single nucleotide variant.
Coding change: c.948C>T on transcript NM_001083116.3 (MANE Select); coding-DNA position 948, C replaced by T.
Protein change: p.Phe316=; no amino-acid change (phenylalanine 316 retained).
Molecular consequence: synonymous variant.
Genome position (GRCh38, 1-based): chr10:70,598,773, G>A on the plus strand (C>T on the coding strand, the complement: PRF1 is on the minus strand). VCF-style: chr10-70598773-G-A. GRCh37 (hg19) VCF-style: chr10-72358529-G-A.
Other names: c.948C>T, p.Phe316= (NM_005041.6); c.948C>T (NM_001083116.1).
Identifiers: ClinVar variation 1085115 (VCV001085115.12), dbSNP rs201235771, ClinGen allele CA5538871.